The following is an entry in ClinVar:

NM_004446.3(EPRS1):c.388+5C>T

Gene: EPRS1 (glutamyl-prolyl-tRNA synthetase 1; minus strand). Cytogenetic location: 1q41.
Variant type: single nucleotide variant.
Coding change: c.388+5C>T on transcript NM_004446.3 (MANE Select); 5 bases into the intron after coding-DNA position 388, C replaced by T.
Molecular consequence: intron variant.
Genome position (GRCh38, 1-based): chr1:220,033,497, G>A on the plus strand (C>T on the coding strand, the complement: EPRS1 is on the minus strand). VCF-style: chr1-220033497-G-A. GRCh37 (hg19) VCF-style: chr1-220206839-G-A.
Identifiers: ClinVar variation 1681009 (VCV001681009.6), dbSNP rs1268887129, ClinGen allele CA731764678.
Genomic context (GRCh38, chr1:220,033,497, plus strand): 5'-ATATAATTTTTATCCAGCAAAATATTAAACGATTAAAACAGAGGATTATTAAGAATTATT[G>A]ATACCTTTTAGGGTGGCCCAAACACATAAATCTGCTAAACTCAAGGAGTTTCCAACTAAG-3'

ClinVar aggregate classification (germline): Uncertain significance (1 of 4 stars; one submission).

Allele frequency attached by ClinVar (database versions not stated): gnomAD 0.00001; TOPMed 0.00002.
gnomAD v4.1: 2 of 1,578,318 alleles (0.00013%); highest among the groups gnomAD compares: African/African-American, 0.0027%; no homozygotes.

Submission:

Labcorp Genetics (formerly Invitae), Labcorp
Classification: Uncertain significance. Last evaluated: 2025-03-10. Review status: criteria provided, single submitter. Criteria: Invitae Variant Classification Sherloc (09022015). Collection method: clinical testing. Allele origin: germline.
Comment: This sequence change falls in intron 4 of the EPRS gene. It does not directly change the encoded amino acid sequence of the EPRS protein. It affects a nucleotide within the consensus splice site. This variant is not present in population databases (gnomAD no frequency). This variant has not been reported in the literature in individuals affected with EPRS-related conditions. ClinVar contains an entry for this variant (Variation ID: 1681009). Variants that disrupt the consensus splice site are a relatively common cause of aberrant splicing (PMID: 17576681, 9536098). Algorithms developed to predict the effect of sequence changes on RNA splicing suggest that this variant is not likely to affect RNA splicing. In summary, the available evidence is currently insufficient to determine the role of this variant in disease. Therefore, it has been classified as a Variant of Uncertain Significance.

Literature cited by the submitters: PubMed 17576681; PubMed 9536098.